The following is an entry in ClinVar:

NM_001903.5(CTNNA1):c.2509T>A (p.Tyr837Asn)

Gene: CTNNA1 (catenin alpha 1; plus strand). Cytogenetic location: 5q31.2.
Variant type: single nucleotide variant.
Coding change: c.2509T>A on transcript NM_001903.5 (MANE Select); coding-DNA position 2509, T replaced by A.
Protein change: p.Tyr837Asn; replaces tyrosine 837 with asparagine.
Molecular consequence: missense variant. On other transcripts: 3 prime UTR variant (5).
Genome position (GRCh38, 1-based): chr5:138,933,877, T>A. VCF-style: chr5-138933877-T-A. GRCh37 (hg19) VCF-style: chr5-138269566-T-A.
Other names: c.*54T>A (NM_001290307.3, NM_001324002.1, NM_001324003.1 and 2 more transcripts); c.2200T>A, p.Tyr734Asn (NM_001290309.3); c.2140T>A, p.Tyr714Asn (NM_001290310.3); c.1399T>A, p.Tyr467Asn (NM_001290312.1, NM_001323987.1, NM_001323988.1 and 12 more transcripts); c.2509T>A, p.Tyr837Asn (NM_001323982.2, NM_001323983.1, NM_001323984.2); c.2482T>A, p.Tyr828Asn (NM_001323985.2); c.2416T>A, p.Tyr806Asn (NM_001323986.2); c.1264T>A, p.Tyr422Asn (NM_001324001.1); and 3 more; short protein forms Y386N, Y806N, Y837N, Y734N, Y828N, Y436N, Y714N, Y354N.
Identifiers: ClinVar variation 1354599 (VCV001354599.8), dbSNP rs2150358779, ClinGen allele CA361135263.

ClinVar aggregate classification (germline): Uncertain significance (1 of 4 stars; one submission).

Submission:

Labcorp Genetics (formerly Invitae), Labcorp
Classification: Uncertain significance. Last evaluated: 2022-06-13. Review status: criteria provided, single submitter. Criteria: Invitae Variant Classification Sherloc (09022015). Collection method: clinical testing. Allele origin: germline.
Comment: This sequence change replaces tyrosine, which is neutral and polar, with asparagine, which is neutral and polar, at codon 837 of the CTNNA1 protein (p.Tyr837Asn). This variant is not present in population databases (gnomAD no frequency). This variant has not been reported in the literature in individuals affected with CTNNA1-related conditions. Algorithms developed to predict the effect of missense changes on protein structure and function are either unavailable or do not agree on the potential impact of this missense change (SIFT: "Deleterious"; PolyPhen-2: "Probably Damaging"; Align-GVGD: "Class C0"). In summary, the available evidence is currently insufficient to determine the role of this variant in disease. Therefore, it has been classified as a Variant of Uncertain Significance.